The following is an entry in ClinVar:

ClinVar aggregate classification (germline): Uncertain significance (1 of 4 stars; one submission).

Submission:

GeneDx
Classification: Uncertain significance. Last evaluated: 2025-07-24. Review status: criteria provided, single submitter. Criteria: GeneDx Variant Classification Process June 2021. Collection method: clinical testing. Allele origin: germline. Affected: yes.
Comment: Not observed at significant frequency in large population cohorts (gnomAD); In silico analysis supports that this missense variant has a deleterious effect on protein structure/function; Has not been previously published as pathogenic or benign to our knowledge

NM_001923.5(DDB1):c.1955G>T (p.Cys652Phe)

Gene: DDB1 (damage specific DNA binding protein 1; minus strand). Cytogenetic location: 11q12.2.
Variant type: single nucleotide variant.
Coding change: c.1955G>T on transcript NM_001923.5 (MANE Select); coding-DNA position 1955, G replaced by T.
Protein change: p.Cys652Phe; replaces cysteine 652 with phenylalanine.
Molecular consequence: missense variant.
Genome position (GRCh38, 1-based): chr11:61,313,613, C>A on the plus strand (G>T on the coding strand, the complement: DDB1 is on the minus strand). VCF-style: chr11-61313613-C-A. GRCh37 (hg19) VCF-style: chr11-61081085-C-A.
Other names: short protein forms C652F.
Identifiers: ClinVar variation 4687058 (VCV004687058.1).